The following is an entry in ClinVar:

ClinVar aggregate classification (germline): Likely pathogenic (1 of 4 stars; one submission).

Submission:

Mayo Clinic Laboratories, Mayo Clinic
Classification: Likely pathogenic. Last evaluated: 2025-10-15. Review status: criteria provided, single submitter. Criteria: ACMG Guidelines, 2015. Collection method: clinical testing. Allele origin: germline. Observed: 1 variant allele.
Comment: PP3, PM2_supporting, PM6, PS1_moderate

NM_001009944.3(PKD1):c.11016+5G>T

Genes: PKD1 (polycystin 1, transient receptor potential channel interacting; minus strand), PKD1-AS1 (PKD1 antisense RNA 1; plus strand). Cytogenetic location: 16p13.3.
Variant type: single nucleotide variant.
Coding change: c.11016+5G>T on transcript NM_001009944.3 (MANE Select); 5 bases into the intron after coding-DNA position 11016, G replaced by T.
Molecular consequence: intron variant.
Genome position (GRCh38, 1-based): chr16:2,093,539, C>A on the plus strand (G>T on the coding strand, the complement: PKD1 is on the minus strand). VCF-style: chr16-2093539-C-A. GRCh37 (hg19) VCF-style: chr16-2143540-C-A.
Other names: c.11013+5G>T (NM_000296.4).
Identifiers: ClinVar variation 4541988 (VCV004541988.1).